The following is an entry in ClinVar:

NM_000264.5(PTCH1):c.3565G>A (p.Gly1189Ser)

Gene: PTCH1 (patched 1; minus strand). Cytogenetic location: 9q22.32.
Variant type: single nucleotide variant.
Coding change: c.3565G>A on transcript NM_000264.5 (MANE Select); coding-DNA position 3565, G replaced by A.
Protein change: p.Gly1189Ser; replaces glycine 1189 with serine.
Molecular consequence: missense variant. On other transcripts: non-coding transcript variant (1).
Genome position (GRCh38, 1-based): chr9:95,449,308, C>T on the plus strand (G>A on the coding strand, the complement: PTCH1 is on the minus strand). VCF-style: chr9-95449308-C-T. GRCh37 (hg19) VCF-style: chr9-98211590-C-T.
Other names: c.3367G>A, p.Gly1123Ser (NM_001083602.3); c.3562G>A, p.Gly1188Ser (NM_001083603.3); c.3112G>A, p.Gly1038Ser (NM_001083604.3, NM_001083605.3, NM_001083606.3 and 1 more transcripts); c.3409G>A, p.Gly1137Ser (NM_001354918.2); short protein forms G1038S, G1123S, G1137S, G1188S, G1189S.
Identifiers: ClinVar variation 649421 (VCV000649421.19), dbSNP rs767535853, ClinGen allele CA5138109.

ClinVar aggregate classification (germline): Conflicting classifications of pathogenicity. Review status: criteria provided, conflicting classifications (1 of 4 stars). 5 submissions from 5 submitters: Uncertain significance (2); Benign (1); Likely benign (1). 1 of the submissions does not count toward it. Last evaluated 2026-10-01.

Conditions:
Gorlin syndrome. Also called: Nevoid Basal Cell Carcinoma Syndrome; Basal cell nevus syndrome. Identifiers: Orphanet 377, MedGen C0004779, MONDO:0007187.
Basal cell nevus syndrome 1 (BCNS1). Also called: GORLIN-GOLTZ SYNDROME; MULTIPLE BASAL CELL NEVI, ODONTOGENIC KERATOCYSTS, AND SKELETAL ANOMALIES. Identifiers: MedGen CN376810, MONDO:0958174, OMIM 109400.
PTCH1-related disorder. Also called: PTCH1-related disorders; PTCH1-related condition.
Hereditary cancer-predisposing syndrome. Also called: Hereditary Cancer Syndrome; Neoplastic Syndromes, Hereditary; Tumor predisposition; Hereditary neoplastic syndrome. Identifiers: Orphanet 140162, MedGen C0027672, MeSH D009386, MONDO:0015356.

Allele frequency attached by ClinVar (database versions not stated): gnomAD exomes 0.00001.

Submissions (5):

St. Jude Molecular Pathology, St. Jude Children's Research Hospital
Classification: Uncertain significance for Basal cell nevus syndrome 1. Last evaluated: 2026-10-01. Review status: criteria provided, single submitter. Criteria: St. Jude Assertion Criteria 2020. Collection method: clinical testing. Allele origin: germline.
Comment: The PTCH1 c.3565G>A p.(Gly1189Ser) missense change has a maximum subpopulation frequency of 0.004% in gnomAD v2.1.1. The in silico tool REV EL is inconclusive about a pathogenic or benign effect of this variant on protein function, and to our knowledge functional studies have not been performed. To our knowledge, this variant has not been reported in individuals with nevoid basal cell carcin oma syndrome. In summary, the evidence currently available is insufficient to determine the clinical significance of this variant. It has therefore been classified as of uncertain significance.

Labcorp Genetics (formerly Invitae), Labcorp
Classification: Benign for Gorlin syndrome. Last evaluated: 2025-11-18. Review status: criteria provided, single submitter. Criteria: Invitae Variant Classification Sherloc (09022015). Collection method: clinical testing. Allele origin: germline.

Center for Genomic Medicine, Rigshospitalet, Copenhagen University Hospital
Classification: Uncertain significance. Last evaluated: 2025-03-04. Review status: criteria provided, single submitter. Criteria: ACMG Guidelines, 2015. Collection method: clinical testing. Allele origin: germline.

Ambry Genetics
Classification: Likely benign for Hereditary cancer-predisposing syndrome. Last evaluated: 2024-09-16. Review status: criteria provided, single submitter. Criteria: Ambry Variant Classification Scheme 2023. Collection method: clinical testing. Allele origin: germline.

PreventionGenetics, part of Exact Sciences
Classification: Uncertain significance for PTCH1-related condition. Last evaluated: 2024-05-17. Review status: no assertion criteria provided. Collection method: clinical testing. Allele origin: germline. Not counted in ClinVar's aggregate classification.
Comment: The PTCH1 c.3565G>A variant is predicted to result in the amino acid substitution p.Gly1189Ser. This variant was reported as a variant of uncertain significance in an individual with spinal schwannoma, breast, and colorectal cancers (study ID #I165 in Tables S1 and S4, Davidson et al. 2023. PubMed ID: 37723522). This variant is reported in 0.0043% of alleles in individuals of South Asian descent in gnomAD, which is more common than expected for a primary cause of disease. This variant has conflicting interpretations of pathogenicity in ClinVar ranging from benign to uncertain. Although we suspect this variant may be benign, at this time, the clinical significance is uncertain due to the absence of conclusive functional and genetic evidence.